The following is an entry in ClinVar:

NC_000016.9:g.(?_29802081)_(30200285_?)dup

Genes: KIF22 (kinesin family member 22; plus strand), MAPK3 (mitogen-activated protein kinase 3; minus strand), MAZ (MYC associated zinc finger protein; plus strand), MVP (major vault protein; plus strand), PAGR1 (PAXIP1 associated glutamate rich protein 1; plus strand) and 18 more. Cytogenetic location: 16p11.2.
Variant type: Duplication.
Identifiers: ClinVar variation 1025477 (VCV001025477.1).

ClinVar aggregate classification (germline): Uncertain significance (1 of 4 stars; one submission).

Conditions:
Episodic kinesigenic dyskinesia (EKD). Also called: Paroxysmal kinesigenic dyskinesia. Identifiers: Orphanet 98809, MedGen C1868682, MONDO:0044202.

Submission:

Labcorp Genetics (formerly Invitae), Labcorp
Classification: Uncertain significance for Episodic kinesigenic dyskinesia. Last evaluated: 2020-10-24. Review status: criteria provided, single submitter. Criteria: Invitae Variant Classification Sherloc (09022015). Collection method: clinical testing. Allele origin: germline.
Comment: This variant results in a copy number gain of the genomic region encompassing the full coding sequence of the PRRT2 gene. The boundaries of this event are unknown as they extend beyond the assayed region for this gene and therefore may encompass additional genes. As the precise location of this event is unknown, it may be in tandem or it may be located elsewhere in the genome. Experimental studies and prediction algorithms are not available or were not evaluated, and the functional significance of this variant is currently unknown. In summary, the available evidence is currently insufficient to determine the role of this variant in disease. Therefore, it has been classified as a Variant of Uncertain Significance.